The following is an entry in ClinVar:

NM_000434.4(NEU1):c.486C>T (p.Ala162=)

Gene: NEU1 (neuraminidase 1; minus strand). Cytogenetic location: 6p21.33.
Variant type: single nucleotide variant.
Coding change: c.486C>T on transcript NM_000434.4 (MANE Select); coding-DNA position 486, C replaced by T.
Protein change: p.Ala162=; no amino-acid change (alanine 162 retained).
Molecular consequence: synonymous variant.
Genome position (GRCh38, 1-based): chr6:31,861,317, G>A on the plus strand (C>T on the coding strand, the complement: NEU1 is on the minus strand). VCF-style: chr6-31861317-G-A. GRCh37 (hg19) VCF-style: chr6-31829094-G-A.
Identifiers: ClinVar variation 356233 (VCV000356233.19), dbSNP rs115588976, ClinGen allele CA3725026.
Genomic context (GRCh38, chr6:31,861,317, plus strand): 5'-GCTCCAGGAAACACCATCATCCTTGCTCCATACCAACATGGTAGAGGCCACCTGGCAGCC[G>A]GCCTTGTGAGCACAAAGGGAGTAGAAAAGAAATACTACTCCTGTCTCAACATCGCTCACT-3'
Protein context (NP_000425.1, residues 152-172): FLFYSLCAHK[Ala162=]GCQVASTMLV

ClinVar aggregate classification (germline): Benign/Likely benign. Review status: criteria provided, multiple submitters, no conflicts (2 of 4 stars). 4 submissions from 4 submitters: Benign (2); Likely benign (1). 1 of the submissions does not count toward it. Last evaluated 2026-02-02.

Conditions:
Sialidosis type 2. Also called: NEURAMINIDASE DEFICIENCY; GLYCOPROTEIN NEURAMINIDASE DEFICIENCY; LIPOMUCOPOLYSACCHARIDOSIS; ML I; NEU DEFICIENCY; NEUG DEFICIENCY. Identifiers: Orphanet 812, Orphanet 87876, MedGen C4282398, MONDO:0009738, OMIM 256550.

Allele frequency attached by ClinVar (database versions not stated): gnomAD 0.00026 and 0.00189; TOPMed 0.00053; ESP Exome Variant Server 0.00059; ExAC 0.00919; 1000 Genomes Project 30x 0.01234; 1000 Genomes Project 0.01278.
gnomAD v4.1: 5,969 of 1,612,994 alleles (0.37%); highest among the groups gnomAD compares: South Asian, 5.8%; 255 homozygotes.

Submissions (4):

Labcorp Genetics (formerly Invitae), Labcorp
Classification: Benign. Last evaluated: 2026-02-02. Review status: criteria provided, single submitter. Criteria: Invitae Variant Classification Sherloc (09022015). Collection method: clinical testing. Allele origin: germline.

Fulgent Genetics
Classification: Likely benign for Sialidosis type 2. Last evaluated: 2022-03-16. Review status: criteria provided, single submitter. Criteria: ACMG Guidelines, 2015. Collection method: clinical testing. Allele origin: unknown.

Illumina Laboratory Services, Illumina
Classification: Benign for Sialidosis type 2. Last evaluated: 2018-01-13. Review status: criteria provided, single submitter. Criteria: ICSL Variant Classification Criteria 13 December 2019. Collection method: clinical testing. Allele origin: germline.
Comment: This variant was observed in the ICSL laboratory as part of a predisposition screen in an ostensibly healthy population. It had not been previously curated by ICSL or reported in the Human Gene Mutation Database (HGMD: prior to June 1st, 2018), and was therefore a candidate for classification through an automated scoring system. Utilizing variant allele frequency, disease prevalence and penetrance estimates, and inheritance mode, an automated score was calculated to assess if this variant is too frequent to cause the disease. Based on the score and internal cut-off values, a variant classified as benign is not then subjected to further curation. The score for this variant resulted in a classification of benign for this disease.

Mayo Clinic Laboratories, Mayo Clinic
Classification: Benign. Last evaluated: 2017-04-25. Review status: no assertion criteria provided. Collection method: clinical testing. Allele origin: unknown. Not counted in ClinVar's aggregate classification.